The following is an entry in ClinVar:

ClinVar aggregate classification (germline): Uncertain significance (1 of 4 stars; one submission).

Allele frequency attached by ClinVar (database versions not stated): gnomAD 0.00002; TOPMed 0.00002.
gnomAD v4.1: 63 of 1,612,998 alleles (0.0039%); highest among the groups gnomAD compares: Non-Finnish European, 0.005%; no homozygotes.

Submission:

CeGaT Center for Human Genetics Tuebingen
Classification: Uncertain significance. Last evaluated: 2024-05-01. Review status: criteria provided, single submitter. Criteria: CeGaT Center For Human Genetics Tuebingen Variant Classification Criteria Version 2. Collection method: clinical testing. Allele origin: germline. Affected: yes. Observed: 1 variant allele.
Comment: OTOGL: PM2, BP4

NM_001378609.3(OTOGL):c.3554A>G (p.Tyr1185Cys)

Gene: OTOGL (otogelin like; plus strand). Cytogenetic location: 12q21.31.
Variant type: single nucleotide variant.
Coding change: c.3554A>G on transcript NM_001378609.3 (MANE Select); coding-DNA position 3554, A replaced by G.
Protein change: p.Tyr1185Cys; replaces tyrosine 1185 with cysteine.
Molecular consequence: missense variant.
Genome position (GRCh38, 1-based): chr12:80,313,579, A>G. VCF-style: chr12-80313579-A-G. GRCh37 (hg19) VCF-style: chr12-80707359-A-G.
Other names: c.3419A>G, p.Tyr1140Cys (NM_001368062.3); c.3554A>G, p.Tyr1185Cys (NM_001378610.3, NM_173591.7); short protein forms Y1140C, Y1185C.
Identifiers: ClinVar variation 3239002 (VCV003239002.19), dbSNP rs762161276.